The following is an entry in ClinVar:

ClinVar aggregate classification (germline): Likely benign (1 of 4 stars; one submission).

Allele frequency attached by ClinVar (database versions not stated): gnomAD 0.00003; TOPMed 0.00006; ExAC 0.00007; ESP Exome Variant Server 0.00008; gnomAD exomes 0.00009.
gnomAD v4.1: 135 of 1,613,674 alleles (0.0084%); highest among the groups gnomAD compares: African/African-American, 0.011%; no homozygotes.

Submission:

CeGaT Center for Human Genetics Tuebingen
Classification: Likely benign. Last evaluated: 2022-07-01. Review status: criteria provided, single submitter. Criteria: CeGaT Center For Human Genetics Tuebingen Variant Classification Criteria Version 2. Collection method: clinical testing. Allele origin: germline. Affected: yes. Observed: 1 variant allele.
Comment: YIF1B: BP4, BP7

NM_001039672.3(YIF1B):c.693C>T (p.Val231=)

Gene: YIF1B (Yip1 interacting factor homolog B, membrane trafficking protein; minus strand). Cytogenetic location: 19q13.2.
Variant type: single nucleotide variant.
Coding change: c.693C>T on transcript NM_001039672.3 (MANE Select); coding-DNA position 693, C replaced by T.
Protein change: p.Val231=; no amino-acid change (valine 231 retained).
Molecular consequence: synonymous variant.
Genome position (GRCh38, 1-based): chr19:38,307,599, G>A on the plus strand (C>T on the coding strand, the complement: YIF1B is on the minus strand). VCF-style: chr19-38307599-G-A. GRCh37 (hg19) VCF-style: chr19-38798239-G-A.
Other names: c.648C>T, p.Val216= (NM_001039671.3); c.684C>T, p.Val228= (NM_001039673.3, NM_001145463.2); c.642C>T, p.Val214= (NM_001145461.2); c.600C>T, p.Val200= (NM_001145462.2).
Identifiers: ClinVar variation 2649787 (VCV002649787.24), dbSNP rs368264297, ClinGen allele CA9411926.